The following is an entry in ClinVar:

ClinVar aggregate classification (germline): Benign/Likely benign. Review status: criteria provided, multiple submitters, no conflicts (2 of 4 stars). 5 submissions from 5 submitters: Benign (1); Likely benign (3). 1 of the submissions does not count toward it. Last evaluated 2026-01-13.

Conditions:
NARS2-related disorder. Also called: NARS2-related condition.

Allele frequency attached by ClinVar (database versions not stated): gnomAD exomes 0.00056 and 0.00153; ExAC 0.00188; 1000 Genomes Project 0.00599; gnomAD 0.00644 and 0.00689; 1000 Genomes Project 30x 0.00656; TOPMed 0.00722; ESP Exome Variant Server 0.00747.
gnomAD v4.1: 1,847 of 1,612,216 alleles (0.11%); highest among the groups gnomAD compares: African/African-American, 2.1%; 12 homozygotes.

Submissions (5):

Labcorp Genetics (formerly Invitae), Labcorp
Classification: Benign. Last evaluated: 2026-01-13. Review status: criteria provided, single submitter. Criteria: Invitae Variant Classification Sherloc (09022015). Collection method: clinical testing. Allele origin: germline.

Mayo Clinic Laboratories, Mayo Clinic
Classification: Likely benign. Last evaluated: 2025-06-26. Review status: criteria provided, single submitter. Criteria: ACMG Guidelines, 2015. Collection method: clinical testing. Allele origin: germline. Observed: 2 variant alleles.
Comment: BS1, BS2, BP4, BP7

Blueprint Genetics
Classification: Likely benign. Last evaluated: 2024-11-13. Review status: criteria provided, single submitter. Criteria: ACMG Guidelines, 2015. Collection method: clinical testing. Allele origin: germline.

GeneDx
Classification: Likely benign. Last evaluated: 2017-09-15. Review status: criteria provided, single submitter. Criteria: GeneDx Variant Classification (06012015). Collection method: clinical testing. Allele origin: germline. Affected: yes.
Comment: This variant is considered likely benign or benign based on one or more of the following criteria: it is a conservative change, it occurs at a poorly conserved position in the protein, it is predicted to be benign by multiple in silico algorithms, and/or has population frequency not consistent with disease.

PreventionGenetics, part of Exact Sciences
Classification: Benign for NARS2-related condition. Last evaluated: 2020-01-27. Review status: no assertion criteria provided. Collection method: clinical testing. Allele origin: germline. Not counted in ClinVar's aggregate classification.
Comment: This variant is classified as benign based on ACMG/AMP sequence variant interpretation guidelines (Richards et al. 2015 PMID: 25741868, with internal and published modifications).

NM_024678.6(NARS2):c.423A>G (p.Gln141=)

Gene: NARS2 (asparaginyl-tRNA synthetase 2, mitochondrial; minus strand). Cytogenetic location: 11q14.1.
Variant type: single nucleotide variant.
Coding change: c.423A>G on transcript NM_024678.6 (MANE Select); coding-DNA position 423, A replaced by G.
Protein change: p.Gln141=; no amino-acid change (glutamine 141 retained).
Molecular consequence: synonymous variant. On other transcripts: 5 prime UTR variant (1).
Genome position (GRCh38, 1-based): chr11:78,566,222, T>C on the plus strand (A>G on the coding strand, the complement: NARS2 is on the minus strand). VCF-style: chr11-78566222-T-C. GRCh37 (hg19) VCF-style: chr11-78277268-T-C.
Other names: p.Gln141=; c.-259A>G (NM_001243251.2).
Identifiers: ClinVar variation 386299 (VCV000386299.15), dbSNP rs112949973, ClinGen allele CA6205851.
Genomic context (GRCh38, chr11:78,566,222, plus strand): 5'-TTCACTGCGAATCCTCAATATAGAACCCAGAACGTTAGTCCTACACCTAAAGTGAGGATA[T>C]TGTCGCAGATACTCCAGAGGATGCCTCTCTTTATATTTGATGGGGAAATCCTGCCAATAA-3'
Protein context (NP_078954.4, residues 131-151): KERHPLEYLR[Gln141=]YPHFRCRTNV